The following is an entry in ClinVar:

ClinVar aggregate classification (germline): Benign/Likely benign. Review status: criteria provided, multiple submitters, no conflicts (2 of 4 stars). 4 submissions from 4 submitters: Benign (1); Likely benign (2). 1 of the submissions does not count toward it. Last evaluated 2026-01-02.

Conditions:
Dextro-looped transposition of the great arteries. Also called: Dextrotransposition of the great arteries. Identifiers: Orphanet 860, MedGen C3531771, MONDO:0019443, OMIM 608808, HP:0031348.
MED13L-related disorder. Also called: MED13L-related condition.

Allele frequency attached by ClinVar (database versions not stated): gnomAD 0.00003 and 0.00010; TOPMed 0.00004; ESP Exome Variant Server 0.00008; 1000 Genomes Project 30x 0.00016; gnomAD exomes 0.00016 and 0.00027; 1000 Genomes Project 0.00020; ExAC 0.00030.
gnomAD v4.1: 245 of 1,614,048 alleles (0.015%); highest among the groups gnomAD compares: South Asian, 0.2%; no homozygotes.

Submissions (4):

Labcorp Genetics (formerly Invitae), Labcorp
Classification: Likely benign for Dextro-looped transposition of the great arteries. Last evaluated: 2026-01-02. Review status: criteria provided, single submitter. Criteria: Invitae Variant Classification Sherloc (09022015). Collection method: clinical testing. Allele origin: germline.

Blueprint Genetics
Classification: Likely benign. Last evaluated: 2023-11-22. Review status: criteria provided, single submitter. Criteria: ACMG Guidelines, 2015. Collection method: clinical testing. Allele origin: germline.

GeneDx
Classification: Benign. Last evaluated: 2020-06-12. Review status: criteria provided, single submitter. Criteria: GeneDx Variant Classification Process June 2021. Collection method: clinical testing. Allele origin: germline. Affected: yes.

PreventionGenetics, part of Exact Sciences
Classification: Likely benign for MED13L-related condition. Last evaluated: 2023-02-07. Review status: no assertion criteria provided. Collection method: clinical testing. Allele origin: germline. Not counted in ClinVar's aggregate classification.
Comment: This variant is classified as likely benign based on ACMG/AMP sequence variant interpretation guidelines (Richards et al. 2015 PMID: 25741868, with internal and published modifications).

NM_015335.5(MED13L):c.3752G>A (p.Arg1251His)

Gene: MED13L (mediator complex subunit 13L; minus strand). Cytogenetic location: 12q24.21.
Variant type: single nucleotide variant.
Coding change: c.3752G>A on transcript NM_015335.5 (MANE Select); coding-DNA position 3752, G replaced by A.
Protein change: p.Arg1251His; replaces arginine 1251 with histidine.
Molecular consequence: missense variant.
Genome position (GRCh38, 1-based): chr12:115,991,202, C>T on the plus strand (G>A on the coding strand, the complement: MED13L is on the minus strand). VCF-style: chr12-115991202-C-T. GRCh37 (hg19) VCF-style: chr12-116429007-C-T.
Other names: short protein forms R1251H.
Identifiers: ClinVar variation 701376 (VCV000701376.14), dbSNP rs142574863, ClinGen allele CA6810942.
Genomic context (GRCh38, chr12:115,991,202, plus strand): 5'-TAATCATTATTATCTGCTTGCACCCGGTCATAACTCCAGCTTACACAGGGAAGAGTTTGG[C>T]GATTGTTAGAGGAAATGTAGTCCAGGAAATTCAGTGAAGCAAAAGGTTGTGTGTGTTGAT-3'
Protein context (NP_056150.1, residues 1241-1261): NFLDYISSNN[Arg1251His]QTLPCVSWSY